The following is an entry in ClinVar:

ClinVar aggregate classification (germline): Uncertain significance (1 of 4 stars; one submission).

Allele frequency attached by ClinVar (database versions not stated): TOPMed 0.00006; ESP Exome Variant Server 0.00008; ExAC 0.00009; gnomAD exomes 0.00010; gnomAD 0.00013 and 0.00014.
gnomAD v4.1: 167 of 1,573,598 alleles (0.011%); highest among the groups gnomAD compares: Middle Eastern, 0.017%; no homozygotes.

Submission:

Labcorp Genetics (formerly Invitae), Labcorp
Classification: Uncertain significance. Last evaluated: 2024-03-14. Review status: criteria provided, single submitter. Criteria: Invitae Variant Classification Sherloc (09022015). Collection method: clinical testing. Allele origin: germline.
Comment: This sequence change replaces asparagine, which is neutral and polar, with serine, which is neutral and polar, at codon 490 of the MAP3K7 protein (p.Asn490Ser). This variant is present in population databases (rs375179983, gnomAD 0.02%). This variant has not been reported in the literature in individuals affected with MAP3K7-related conditions. ClinVar contains an entry for this variant (Variation ID: 1473103). An algorithm developed to predict the effect of missense changes on protein structure and function (PolyPhen-2) suggests that this variant is likely to be disruptive. In summary, the available evidence is currently insufficient to determine the role of this variant in disease. Therefore, it has been classified as a Variant of Uncertain Significance.

NM_145331.3(MAP3K7):c.1469A>G (p.Asn490Ser)

Gene: MAP3K7 (mitogen-activated protein kinase kinase kinase 7; minus strand). Cytogenetic location: 6q15.
Variant type: single nucleotide variant.
Coding change: c.1469A>G on transcript NM_145331.3 (MANE Select); coding-DNA position 1469, A replaced by G.
Protein change: p.Asn490Ser; replaces asparagine 490 with serine.
Molecular consequence: missense variant.
Genome position (GRCh38, 1-based): chr6:90,519,313, T>C on the plus strand (A>G on the coding strand, the complement: MAP3K7 is on the minus strand). VCF-style: chr6-90519313-T-C. GRCh37 (hg19) VCF-style: chr6-91229032-T-C.
Other names: c.1388A>G, p.Asn463Ser (NM_003188.4, NM_145333.3); c.1469A>G, p.Asn490Ser (NM_145332.3); short protein forms N463S, N490S.
Identifiers: ClinVar variation 1473103 (VCV001473103.7), dbSNP rs375179983, ClinGen allele CA3928332.